The following is an entry in ClinVar:

NM_013339.4(ALG6):c.54A>G (p.Arg18=)

Gene: ALG6 (ALG6 alpha-1,3-glucosyltransferase; plus strand). Cytogenetic location: 1p31.3.
Variant type: single nucleotide variant.
Coding change: c.54A>G on transcript NM_013339.4 (MANE Select); coding-DNA position 54, A replaced by G.
Protein change: p.Arg18=; no amino-acid change (arginine 18 retained).
Molecular consequence: synonymous variant.
Genome position (GRCh38, 1-based): chr1:63,371,031, A>G. VCF-style: chr1-63371031-A-G. GRCh37 (hg19) VCF-style: chr1-63836702-A-G.
Identifiers: ClinVar variation 755501 (VCV000755501.16), dbSNP rs373800951, ClinGen allele CA888021.

ClinVar aggregate classification (germline): Likely benign. Review status: criteria provided, multiple submitters, no conflicts (2 of 4 stars). 4 submissions from 4 submitters: Likely benign (2). 2 of the submissions do not count toward it. Last evaluated 2025-12-22.

Conditions:
ALG6-congenital disorder of glycosylation 1C (CDG1C). Also called: CARBOHYDRATE-DEFICIENT GLYCOPROTEIN SYNDROME, TYPE I, WITH DEFICIENT GLYCOSYLATION OF DOLICHOL-LINKED OLIGOSACCHARIDE; CARBOHYDRATE-DEFICIENT GLYCOPROTEIN SYNDROME, TYPE V; Congenital disorder of glycosylation type 1C; Congenital disorder of glycosylation, type Ic; CDG Ic. Identifiers: Orphanet 79320, MedGen C2930997, MONDO:0011291, OMIM 603147.
ALG6-related disorder. Also called: ALG6-related condition.

Allele frequency attached by ClinVar (database versions not stated): gnomAD 0.00002 and 0.00005; TOPMed 0.00003; ESP Exome Variant Server 0.00008; gnomAD exomes 0.00009 and 0.00015; ExAC 0.00013.
gnomAD v4.1: 133 of 1,609,632 alleles (0.0083%); highest among the groups gnomAD compares: South Asian, 0.13%; 1 homozygote.

Submissions (4):

Labcorp Genetics (formerly Invitae), Labcorp
Classification: Likely benign for ALG6-congenital disorder of glycosylation 1C. Last evaluated: 2025-12-22. Review status: criteria provided, single submitter. Criteria: Invitae Variant Classification Sherloc (09022015). Collection method: clinical testing. Allele origin: germline.

Blueprint Genetics
Classification: Likely benign. Last evaluated: 2024-11-08. Review status: criteria provided, single submitter. Criteria: ACMG Guidelines, 2015. Collection method: clinical testing. Allele origin: germline.

Natera, Inc.
Classification: Likely benign for Congenital disorder of glycosylation type 1c. Last evaluated: 2020-01-25. Review status: no assertion criteria provided. Collection method: clinical testing. Allele origin: germline. Not counted in ClinVar's aggregate classification.

PreventionGenetics, part of Exact Sciences
Classification: Likely benign for ALG6-related condition. Last evaluated: 2019-06-27. Review status: no assertion criteria provided. Collection method: clinical testing. Allele origin: germline. Not counted in ClinVar's aggregate classification.
Comment: This variant is classified as likely benign based on ACMG/AMP sequence variant interpretation guidelines (Richards et al. 2015 PMID: 25741868, with internal and published modifications).